The following is an entry in ClinVar:

ClinVar aggregate classification (germline): Uncertain significance (1 of 4 stars; one submission).

Conditions:
PLXNA3-related disorder. Also called: PLXNA3-related condition.

gnomAD v4.1: 2 of 1,210,252 alleles (0.00017%); highest among the groups gnomAD compares: Non-Finnish European, 0.00022%; no homozygotes.

Submission:

PreventionGenetics, part of Exact Sciences
Classification: Uncertain significance for PLXNA3-related condition. Last evaluated: 2025-09-17. Review status: criteria provided, single submitter. Criteria: ACMG Guidelines, 2015. Collection method: clinical testing. Allele origin: germline.
Comment: The PLXNA3 c.1321C>T variant is predicted to result in the amino acid substitution p.Arg441Trp. To our knowledge, this variant has not been reported in the literature or in a large population database (gnomAD), indicating this variant is rare. At this time, the clinical significance of this variant is uncertain due to the absence of conclusive functional and genetic evidence.

NM_017514.5(PLXNA3):c.1321C>T (p.Arg441Trp)

Gene: PLXNA3 (plexin A3; plus strand). Cytogenetic location: Xq28.
Variant type: single nucleotide variant.
Coding change: c.1321C>T on transcript NM_017514.5 (MANE Select); coding-DNA position 1321, C replaced by T.
Protein change: p.Arg441Trp; replaces arginine 441 with tryptophan.
Molecular consequence: missense variant.
Genome position (GRCh38, 1-based): chrX:154,463,394, C>T. VCF-style: chrX-154463394-C-T. GRCh37 (hg19) VCF-style: chrX-153691737-C-T.
Other names: short protein forms R441W.
Identifiers: ClinVar variation 4979003 (VCV004979003.1).